The following is an entry in ClinVar:

NM_000368.5(TSC1):c.2585A>T (p.Tyr862Phe)

Gene: TSC1 (TSC complex subunit 1; minus strand). Cytogenetic location: 9q34.13.
Variant type: single nucleotide variant.
Coding change: c.2585A>T on transcript NM_000368.5 (MANE Select); coding-DNA position 2585, A replaced by T.
Protein change: p.Tyr862Phe; replaces tyrosine 862 with phenylalanine.
Molecular consequence: missense variant. On other transcripts: non-coding transcript variant (5).
Genome position (GRCh38, 1-based): chr9:132,900,755, T>A on the plus strand (A>T on the coding strand, the complement: TSC1 is on the minus strand). VCF-style: chr9-132900755-T-A. GRCh37 (hg19) VCF-style: chr9-135776142-T-A.
Other names: c.2543A>T, p.Tyr848Phe (NM_001406605.1, NM_001406606.1, NM_001406607.1); c.2540A>T, p.Tyr847Phe (NM_001406608.1, NM_001406609.1); c.2432A>T, p.Tyr811Phe (NM_001406610.1, NM_001162427.2); c.2429A>T, p.Tyr810Phe (NM_001406611.1, NM_001406612.1); c.2387A>T, p.Tyr796Phe (NM_001406613.1); c.2222A>T, p.Tyr741Phe (NM_001406614.1, NM_001362177.2, NM_001406615.1 and 4 more transcripts); c.2180A>T, p.Tyr727Phe (NM_001406624.1); c.2177A>T, p.Tyr726Phe (NM_001406625.1); and 8 more; short protein forms Y740F, Y856F, Y544F, Y545F, Y726F, Y741F, Y811F, Y857F.
Identifiers: ClinVar variation 5031246 (VCV005031246.1).

ClinVar aggregate classification (germline): Uncertain significance (1 of 4 stars; one submission).

Conditions:
Hereditary cancer-predisposing syndrome. Also called: Neoplastic Syndromes, Hereditary; Tumor predisposition; Hereditary neoplastic syndrome; Hereditary Cancer Syndrome. Identifiers: Orphanet 140162, MedGen C0027672, MeSH D009386, MONDO:0015356.

gnomAD v4.1: 1 of 1,614,190 alleles (0.000062%); highest among the groups gnomAD compares: Non-Finnish European, 0.000085%; no homozygotes.

Submission:

Ambry Genetics
Classification: Uncertain significance for Hereditary cancer-predisposing syndrome. Last evaluated: 2026-08-04. Review status: criteria provided, single submitter. Criteria: Ambry Variant Classification Scheme 2023. Collection method: clinical testing. Allele origin: germline.
Comment: The p.Y862F variant (also known as c.2585A>T), located in coding exon 18 of the TSC1 gene, results from an A to T substitution at nucleotide position 2585. The tyrosine at codon 862 is replaced by phenylalanine, an amino acid with highly similar properties. This amino acid position is conserved. In addition, the in silico prediction for this alteration is inconclusive. Based on the available evidence, the clinical significance of this variant remains unclear.